The following is an entry in ClinVar:

NM_145207.3(AFG2A):c.753T>G (p.Thr251=)

Gene: AFG2A (AAA ATPase AFG2A; plus strand). Cytogenetic location: 4q28.1.
Variant type: single nucleotide variant.
Coding change: c.753T>G on transcript NM_145207.3 (MANE Select); coding-DNA position 753, T replaced by G.
Protein change: p.Thr251=; no amino-acid change (threonine 251 retained).
Molecular consequence: synonymous variant.
Genome position (GRCh38, 1-based): chr4:122,934,344, T>G. VCF-style: chr4-122934344-T-G. GRCh37 (hg19) VCF-style: chr4-123855499-T-G.
Other names: c.750T>G, p.Thr250= (NM_001317799.2, NM_001345856.2); c.753T>G (NM_145207.2).
Identifiers: ClinVar variation 1134090 (VCV001134090.7), dbSNP rs201154687, ClinGen allele CA3070312.
Genomic context (GRCh38, chr4:122,934,344, plus strand): 5'-ATCCTTACAGCTAAGCCAGTTAGATCTGGAGGATACCCAGATCCCAACATCAAGAAGTAC[T>G]CCTTATAAACCAATTGATGACAGAATTACAAATAAAGCCAGTGATGTTTTGCTGGATGTT-3'
Protein context (NP_660208.2, residues 241-261): EDTQIPTSRS[Thr251=]PYKPIDDRIT

ClinVar aggregate classification (germline): Conflicting classifications of pathogenicity. Review status: criteria provided, conflicting classifications (1 of 4 stars). 2 submissions from 2 submitters: Uncertain significance (1); Likely benign (1). Last evaluated 2025-02-24.

Conditions:
Microcephaly-intellectual disability-sensorineural hearing loss-epilepsy-abnormal muscle tone syndrome (NEDHSB). Also called: NEURODEVELOPMENTAL DISORDER WITH HEARING LOSS, SEIZURES, AND BRAIN ABNORMALITIES. Identifiers: Orphanet 457351, MedGen C4225276, MONDO:0014698, OMIM 616577.

Allele frequency attached by ClinVar (database versions not stated): gnomAD exomes below 0.00001 and 0.00001; gnomAD 0.00007; 1000 Genomes Project 0.00020; ExAC 0.00002; TOPMed 0.00006; 1000 Genomes Project 30x 0.00031.
gnomAD v4.1: 17 of 1,614,198 alleles (0.0011%); highest among the groups gnomAD compares: African/African-American, 0.017%; no homozygotes.

Submissions (2):

Labcorp Genetics (formerly Invitae), Labcorp
Classification: Likely benign for Microcephaly-intellectual disability-sensorineural hearing loss-epilepsy-abnormal muscle tone syndrome. Last evaluated: 2025-02-24. Review status: criteria provided, single submitter. Criteria: Invitae Variant Classification Sherloc (09022015). Collection method: clinical testing. Allele origin: germline.

GeneDx
Classification: Uncertain significance. Last evaluated: 2024-05-31. Review status: criteria provided, single submitter. Criteria: GeneDx Variant Classification Process June 2021. Collection method: clinical testing. Allele origin: germline. Affected: yes.
Comment: See Variant Classification Assertion Criteria.